The following is an entry in ClinVar:

NM_000073.3(CD3G):c.98T>C (p.Val33Ala)

Genes: CD3G (CD3 gamma subunit of T-cell receptor complex; plus strand), LOC126861358 (BRD4-independent group 4 enhancer GRCh37_chr11:118220212-118221411; plus strand). Cytogenetic location: 11q23.3.
Variant type: single nucleotide variant.
Coding change: c.98T>C on transcript NM_000073.3 (MANE Select); coding-DNA position 98, T replaced by C.
Protein change: p.Val33Ala; replaces valine 33 with alanine.
Molecular consequence: missense variant.
Genome position (GRCh38, 1-based): chr11:118,349,761, T>C. VCF-style: chr11-118349761-T-C. GRCh37 (hg19) VCF-style: chr11-118220476-T-C.
Other names: short protein forms V33A.
Identifiers: ClinVar variation 2097316 (VCV002097316.4), dbSNP rs2496897463, ClinGen allele CA382792259.
Genomic context (GRCh38, chr11:118,349,761, plus strand): 5'-GAGGCAAGATCCTTAATAGAACCACGGCTTTTCTCATTTCAGGAAACCACTTGGTTAAGG[T>C]GTATGACTATCAAGAAGATGGTTCGGTACTTCTGACTTGTGATGCAGAAGCCAAAAATAT-3'
Protein context (NP_000064.1, residues 23-43): QSIKGNHLVK[Val33Ala]YDYQEDGSVL

ClinVar aggregate classification (germline): Uncertain significance (1 of 4 stars; one submission).

Conditions:
Combined immunodeficiency due to CD3gamma deficiency. Also called: Immunodeficiency 17, CD3 gamma deficient; Immunodeficiency 17; CD3-GAMMA DEFICIENCY; SCID-LIKE IMMUNODEFICIENCY, T CELL-PARTIAL, B CELL-POSITIVE, NK CELL-POSITIVE. Identifiers: Orphanet 169082, MedGen C3810107, MONDO:0014276, OMIM 615607.

Submission:

Labcorp Genetics (formerly Invitae), Labcorp
Classification: Uncertain significance for Combined immunodeficiency due to CD3gamma deficiency. Last evaluated: 2022-02-12. Review status: criteria provided, single submitter. Criteria: Invitae Variant Classification Sherloc (09022015). Collection method: clinical testing. Allele origin: germline.
Comment: In summary, the available evidence is currently insufficient to determine the role of this variant in disease. Therefore, it has been classified as a Variant of Uncertain Significance. Algorithms developed to predict the effect of missense changes on protein structure and function are either unavailable or do not agree on the potential impact of this missense change (SIFT: "Deleterious"; PolyPhen-2: "Possibly Damaging"; Align-GVGD: "Class C0"). This variant has not been reported in the literature in individuals affected with CD3G-related conditions. This variant is not present in population databases (gnomAD no frequency). This sequence change replaces valine, which is neutral and non-polar, with alanine, which is neutral and non-polar, at codon 33 of the CD3G protein (p.Val33Ala).